The following is an entry in ClinVar:

ClinVar aggregate classification (germline): Uncertain significance (1 of 4 stars; one submission).

Conditions:
Autosomal recessive nonsyndromic hearing loss 37. Identifiers: Orphanet 90636, MedGen C1843028, MONDO:0011912, OMIM 607821.
Autosomal dominant nonsyndromic hearing loss 22. Also called: Autosomal dominant nonsyndromic deafness 22; DFNA 22. Identifiers: Orphanet 228012, MedGen C2931767, MONDO:0011660, OMIM 606346.

gnomAD v4.1: 8 of 1,614,128 alleles (0.0005%); highest among the groups gnomAD compares: South Asian, 0.0055%; no homozygotes.

Submission:

Juno Genomics, Hangzhou Juno Genomics, Inc
Classification: Uncertain significance for Autosomal dominant nonsyndromic hearing loss 22; Autosomal recessive nonsyndromic hearing loss 37. Review status: criteria provided, single submitter. Criteria: ACMG Guidelines, 2015. Collection method: clinical testing. Allele origin: germline. Affected: yes.
Comment: Absent from controls (or at extremely low frequency if recessive) in Genome Aggregation Database, Exome Sequencing Project, 1000 Genomes Project, or Exome Aggregation Consortium.;Multiple lines of computational evidence support a deleterious effect on the gene or gene product (conservation, evolutionary, splicing impact, etc).

NM_004999.4(MYO6):c.3712C>T (p.Arg1238Trp)

Gene: MYO6 (myosin VI; plus strand). Cytogenetic location: 6q14.1.
Variant type: single nucleotide variant.
Coding change: c.3712C>T on transcript NM_004999.4 (MANE Select); coding-DNA position 3712, C replaced by T.
Protein change: p.Arg1238Trp; replaces arginine 1238 with tryptophan.
Molecular consequence: missense variant. On other transcripts: non-coding transcript variant (1).
Genome position (GRCh38, 1-based): chr6:75,914,866, C>T. VCF-style: chr6-75914866-C-T. GRCh37 (hg19) VCF-style: chr6-76624583-C-T.
Other names: c.3643C>T, p.Arg1215Trp (NM_001300899.2); c.3616C>T, p.Arg1206Trp (NM_001368136.1); c.3673C>T, p.Arg1225Trp (NM_001368137.1); c.3628C>T, p.Arg1210Trp (NM_001368138.1); c.3739C>T, p.Arg1247Trp (NM_001368865.1); c.3712C>T, p.Arg1238Trp (NM_001368866.1); short protein forms R1206W, R1210W, R1215W, R1225W, R1238W, R1247W.
Identifiers: ClinVar variation 3382248 (VCV003382248.2).